The following is an entry in ClinVar:

ClinVar aggregate classification (germline): Uncertain significance. Review status: criteria provided, multiple submitters, no conflicts (2 of 4 stars). 4 submissions from 4 submitters: Uncertain significance (4). Last evaluated 2026-05-26.

Conditions:
Inflammatory skin and bowel disease, neonatal, 2 (NNCIS). Identifiers: Orphanet 294023, MedGen C4015130, MONDO:0014481, OMIM 616069.
Lung cancer. Also called: Lung cancer, somatic; Malignant tumor of lung. Identifiers: MedGen C0242379, MONDO:0008903, OMIM 211980.
EGFR-related lung cancer (EGFR). Identifiers: MedGen CN130014.
Hereditary cancer-predisposing syndrome. Also called: Neoplastic Syndromes, Hereditary; Tumor predisposition; Hereditary Cancer Syndrome; Hereditary neoplastic syndrome. Identifiers: Orphanet 140162, MedGen C0027672, MeSH D009386, MONDO:0015356.

gnomAD v4.1: 1 of 1,613,764 alleles (0.000062%); no homozygotes.

Submissions (4):

Ambry Genetics
Classification: Uncertain significance for Hereditary cancer-predisposing syndrome. Last evaluated: 2026-05-26. Review status: criteria provided, single submitter. Criteria: Ambry Variant Classification Scheme 2023. Collection method: clinical testing. Allele origin: germline.
Comment: The p.G873E variant (also known as c.2618G>A), located in coding exon 21 of the EGFR gene, results from a G to A substitution at nucleotide position 2618. The glycine at codon 873 is replaced by glutamic acid, an amino acid with similar properties. This amino acid position is highly conserved in available vertebrate species. In addition, this alteration is predicted to be deleterious by in silico analysis. Based on the available evidence, the clinical significance of this variant remains unclear.

Labcorp Genetics (formerly Invitae), Labcorp
Classification: Uncertain significance for EGFR-related lung cancer. Last evaluated: 2025-08-11. Review status: criteria provided, single submitter. Criteria: Invitae Variant Classification Sherloc (09022015). Collection method: clinical testing. Allele origin: germline.
Comment: This sequence change replaces glycine, which is neutral and non-polar, with glutamic acid, which is acidic and polar, at codon 873 of the EGFR protein (p.Gly873Glu). This variant is not present in population databases (gnomAD no frequency). This variant has not been reported in the literature in individuals affected with EGFR-related conditions. ClinVar contains an entry for this variant (Variation ID: 1923090). An algorithm developed to predict the effect of missense changes on protein structure and function (PolyPhen-2) suggests that this variant is likely to be disruptive. In summary, the available evidence is currently insufficient to determine the role of this variant in disease. Therefore, it has been classified as a Variant of Uncertain Significance.

Fulgent Genetics
Classification: Uncertain significance for Lung cancer; Inflammatory skin and bowel disease, neonatal, 2. Last evaluated: 2024-06-21. Review status: criteria provided, single submitter. Criteria: ACMG Guidelines, 2015. Collection method: clinical testing. Allele origin: germline.

Revvity Omics, Revvity
Classification: Uncertain significance. Last evaluated: 2023-01-18. Review status: criteria provided, single submitter. Criteria: ACMG Guidelines, 2015. Collection method: clinical testing. Allele origin: germline.

NM_005228.5(EGFR):c.2618G>A (p.Gly873Glu)

Gene: EGFR (epidermal growth factor receptor; plus strand). Cytogenetic location: 7p11.2.
Variant type: single nucleotide variant.
Coding change: c.2618G>A on transcript NM_005228.5 (MANE Select); coding-DNA position 2618, G replaced by A.
Protein change: p.Gly873Glu; replaces glycine 873 with glutamic acid.
Molecular consequence: missense variant.
Genome position (GRCh38, 1-based): chr7:55,191,867, G>A. VCF-style: chr7-55191867-G-A. GRCh37 (hg19) VCF-style: chr7-55259560-G-A.
Other names: c.2483G>A, p.Gly828Glu (NM_001346897.2, NM_001346899.2); c.2618G>A, p.Gly873Glu (NM_001346898.2); c.2459G>A, p.Gly820Glu (NM_001346900.2); c.1817G>A, p.Gly606Glu (NM_001346941.2); short protein forms G606E, G820E, G828E, G873E.
Identifiers: ClinVar variation 1923090 (VCV001923090.10), dbSNP rs2128964711, ClinGen allele CA367580369.